The following is an entry in ClinVar:

NM_000789.4(ACE):c.1511del (p.Pro504fs)

Gene: ACE (angiotensin I converting enzyme; plus strand). Cytogenetic location: 17q23.3.
Variant type: Deletion.
Coding change: c.1511del on transcript NM_000789.4 (MANE Select); coding-DNA position 1511, one base deleted (C; older notation c.1511delC).
Protein change: p.Pro504fs; shifts the reading frame from proline 504.
Molecular consequence: frameshift variant.
Genome position (GRCh38, 1-based): chr17:63,483,483, C deleted; the last of 2 consecutive C bases (chr17:63,483,482-63,483,483); deleting either gives the same sequence. VCF-style (leftmost placement, unchanged base first): chr17-63483481-TC-T. GRCh37 (hg19) VCF-style: chr17-61560842-TC-T.
Other names: c.944del, p.Pro315fs (NM_001382700.1); c.659del, p.Pro220fs (NM_001382701.1); short protein forms P220fs, P315fs, P504fs.
Identifiers: ClinVar variation 1723253 (VCV001723253.3), dbSNP rs1568038811, ClinGen allele CA626842116.

ClinVar aggregate classification (germline): Likely pathogenic. Review status: criteria provided, multiple submitters, no conflicts (2 of 4 stars). 3 submissions from 3 submitters: Likely pathogenic (3). Last evaluated 2024-05-30.

Conditions:
Microvascular complications of diabetes, susceptibility to, 3. Identifiers: MedGen C2675470, MONDO:0012963, OMIM 612624.
Hemorrhage, intracerebral, susceptibility to (ICH). Also called: Stroke, hemorrhagic, susceptibility to. Identifiers: MedGen C3281105, MONDO:0100533, OMIM 614519.
Renal tubular dysgenesis of genetic origin. Also called: PRIMITIVE RENAL TUBULE SYNDROME. Identifiers: Orphanet 97369, MedGen C5681536, MONDO:0009970, OMIM 267430.
ACE-related disorder. Also called: ACE-related condition; ACE-related disorders.

Submissions (3):

Fulgent Genetics
Classification: Likely pathogenic for Renal tubular dysgenesis of genetic origin; Microvascular complications of diabetes, susceptibility to, 3; Hemorrhage, intracerebral, susceptibility to. Last evaluated: 2024-05-30. Review status: criteria provided, single submitter. Criteria: ACMG Guidelines, 2015. Collection method: clinical testing. Allele origin: germline.

PreventionGenetics, part of Exact Sciences
Classification: Likely pathogenic for ACE-related condition. Last evaluated: 2023-05-09. Review status: criteria provided, single submitter. Criteria: ACMG Guidelines, 2015. Collection method: clinical testing. Allele origin: germline.
Comment: The ACE c.1511delC variant is predicted to result in a frameshift and premature protein termination (p.Pro504Leufs*21). To our knowledge, this variant has not been reported in the literature. This variant is reported in 0.0035% of alleles in individuals of European (Non-Finnish) descent in gnomAD. Frameshift variants in ACE are expected to be pathogenic. This variant is interpreted as likely pathogenic.

Women's Health and Genetics/Laboratory Corporation of America, LabCorp
Classification: Likely pathogenic for ACE-Related Disorders. Last evaluated: 2022-10-07. Review status: criteria provided, single submitter. Criteria: LabCorp Variant Classification Summary - May 2015. Collection method: clinical testing. Allele origin: germline.
Comment: Variant summary: ACE c.1511delC (p.Pro504LeufsX21) results in a premature termination codon, predicted to cause a truncation of the encoded protein or absence of the protein due to nonsense mediated decay, which are commonly known mechanisms for disease. Truncations downstream of this position (e.g. p.Arg791X, p.Gln1165X) are cited as pathogenic and disease-associated in ClinVar and HGMD, in association with renal tube dysgenesis. The variant allele was found at a frequency of 2e-05 in 251470 control chromosomes (gnomAD). To our knowledge, no occurrence of c.1511delC in individuals affected with ACE-Related Disorders and no experimental evidence demonstrating its impact on protein function have been reported. No clinical diagnostic laboratories have submitted clinical-significance assessments for this variant to ClinVar after 2014. Based on the evidence outlined above, the variant was classified as likely pathogenic.